The following is an entry in ClinVar:

ClinVar aggregate classification (germline): Pathogenic (1 of 4 stars; one submission).

Conditions:
Developmental and epileptic encephalopathy, 9 (DEE9). Also called: EPILEPSY, FEMALE-RESTRICTED, WITH MENTAL RETARDATION; PCDH19-Related X-Linked Female-Limited Epilepsy with Mental Retardation; Early infantile epileptic encephalopathy 9; JUBERG-HELLMAN SYNDROME. Identifiers: Orphanet 101039, Orphanet 2076, MedGen C1848137, MONDO:0010246, OMIM 300088. Disease mechanism: loss of function.

Submission:

3billion
Classification: Pathogenic for Developmental and epileptic encephalopathy, 9. Last evaluated: 2021-10-02. Review status: criteria provided, single submitter. Criteria: ACMG Guidelines, 2015. Collection method: clinical testing. Allele origin: germline. Affected: yes. Observed: 1 heterozygote.
Comment: Frameshift: predicted to result in a loss or disruption of normal protein function through nonsense-mediated decay (NMD) or protein truncation. Multiple pathogenic variants are reported downstream of the variant (PVS1_VS). It is not observed in the gnomAD v2.1.1 dataset (PM2). The variant was observed as assumed (i.e. paternity and maternity not confirmed) de novoo (3billion dataset, PM6). Therefore, this variant is classified as pathogenic according to the recommendation of ACMG/AMP guideline

NM_001184880.2(PCDH19):c.2391_2392del (p.Asp797fs)

Genes: PCDH19 (protocadherin 19; minus strand), LOC125467768 (CDK7 strongly-dependent group 2 enhancer GRCh37_chrX:99657381-99658580; plus strand). Cytogenetic location: Xq22.1.
Variant type: Deletion.
Coding change: c.2391_2392del on transcript NM_001184880.2 (MANE Select); coding-DNA positions 2391 to 2392, 2 bases deleted (CA; older notation c.2391_2392delCA).
Protein change: p.Asp797fs; shifts the reading frame from aspartic acid 797.
Molecular consequence: frameshift variant.
Genome position (GRCh38, 1-based): chrX:100,402,748-100,402,749, TG deleted on the plus strand (CA on the coding strand, the reverse complement: PCDH19 is on the minus strand); deleting any 2 consecutive bases within chrX:100,402,748-100,402,750 gives the same sequence; the c. name uses the placement nearest the transcript's 3' end. VCF-style (leftmost placement, unchanged base first): chrX-100402747-TTG-T. GRCh37 (hg19) VCF-style: chrX-99657745-TTG-T.
Other names: c.2250_2251del, p.Asp750fs (NM_001105243.2, NM_020766.3); short protein forms D750fs, D797fs.
Identifiers: ClinVar variation 1320065 (VCV001320065.1), dbSNP rs2147533347, ClinGen allele CA2573055044.